The following is an entry in ClinVar:

ClinVar aggregate classification (germline): Pathogenic (1 of 4 stars; one submission).

Conditions:
3-hydroxy-3-methylglutaryl-CoA synthase deficiency (HMGCS2D). Also called: HMGCS2 DEFICIENCY; HMG-CoA synthase-2 deficiency; MITOCHONDRIAL HMG-CoA SYNTHASE DEFICIENCY. Identifiers: Orphanet 35701, MedGen C2751532, MONDO:0011614, OMIM 605911.

Allele frequency attached by ClinVar (database versions not stated): ExAC 0.00001; gnomAD exomes 0.00001.
gnomAD v4.1: 34 of 1,613,916 alleles (0.0021%); highest among the groups gnomAD compares: Admixed American, 0.022%; no homozygotes.

Submission:

Labcorp Genetics (formerly Invitae), Labcorp
Classification: Pathogenic for 3-hydroxy-3-methylglutaryl-CoA synthase deficiency. Last evaluated: 2025-07-07. Review status: criteria provided, single submitter. Criteria: Invitae Variant Classification Sherloc (09022015). Collection method: clinical testing. Allele origin: germline.
Comment: This sequence change creates a premature translational stop signal (p.Arg228*) in the HMGCS2 gene. It is expected to result in an absent or disrupted protein product. Loss-of-function variants in HMGCS2 are known to be pathogenic (PMID: 20346956, 23751782, 25511235). This variant is present in population databases (rs763531478, gnomAD 0.009%). This variant has not been reported in the literature in individuals affected with HMGCS2-related conditions. ClinVar contains an entry for this variant (Variation ID: 2080601). Algorithms developed to predict the effect of sequence changes on RNA splicing suggest that this variant may disrupt the consensus splice site. For these reasons, this variant has been classified as Pathogenic.

Literature cited by the submitters: PubMed 20346956; PubMed 23751782; PubMed 25511235.

NM_005518.4(HMGCS2):c.682C>T (p.Arg228Ter)

Gene: HMGCS2 (3-hydroxy-3-methylglutaryl-CoA synthase 2; minus strand). Cytogenetic location: 1p12.
Variant type: single nucleotide variant.
Coding change: c.682C>T on transcript NM_005518.4 (MANE Select); coding-DNA position 682, C replaced by T.
Protein change: p.Arg228Ter; replaces arginine 228 with a stop codon.
Molecular consequence: nonsense. On other transcripts: intron variant (1).
Genome position (GRCh38, 1-based): chr1:119,759,867, G>A on the plus strand (C>T on the coding strand, the complement: HMGCS2 is on the minus strand). VCF-style: chr1-119759867-G-A. GRCh37 (hg19) VCF-style: chr1-120302490-G-A.
Other names: c.560-585C>T (NM_001166107.1); short protein forms R228*.
Identifiers: ClinVar variation 2080601 (VCV002080601.4), dbSNP rs763531478, ClinGen allele CA1037829.